The following is an entry in ClinVar:

ClinVar aggregate classification (germline): Benign. Review status: criteria provided, multiple submitters, no conflicts (2 of 4 stars). 2 submissions from 2 submitters: Benign (2). Last evaluated 2018-01-13.

Conditions:
Hereditary sensory and autonomic neuropathy with spastic paraplegia (HSNSP). Identifiers: Orphanet 139578, MedGen C1850395, MONDO:0009748, OMIM 256840.

Allele frequency attached by ClinVar (database versions not stated): TOPMed 0.72700; gnomAD 0.73426 and 0.73728; 1000 Genomes Project 30x 0.67645; 1000 Genomes Project 0.68590; gnomAD exomes 0.81372.
gnomAD v4.1: 178,927 of 233,888 alleles (77%); highest among the groups gnomAD compares: East Asian, 87%; 71,227 homozygotes.

Submissions (2):

Illumina Laboratory Services, Illumina
Classification: Benign for Hereditary sensory and autonomic neuropathy with spastic paraplegia. Last evaluated: 2018-01-13. Review status: criteria provided, single submitter. Criteria: ICSL Variant Classification Criteria 13 December 2019. Collection method: clinical testing. Allele origin: germline.
Comment: This variant was observed in the ICSL laboratory as part of a predisposition screen in an ostensibly healthy population. It had not been previously curated by ICSL or reported in the Human Gene Mutation Database (HGMD: prior to June 1st, 2018), and was therefore a candidate for classification through an automated scoring system. Utilizing variant allele frequency, disease prevalence and penetrance estimates, and inheritance mode, an automated score was calculated to assess if this variant is too frequent to cause the disease. Based on the score and internal cut-off values, a variant classified as benign is not then subjected to further curation. The score for this variant resulted in a classification of benign for this disease.

Breakthrough Genomics
Classification: Benign. Review status: criteria provided, single submitter. Criteria: ACMG Guidelines, 2015. Collection method: not provided. Allele origin: germline. Inheritance: Autosomal recessive inheritance. Affected: yes.

NM_012073.5(CCT5):c.*383A>G

Gene: CCT5 (chaperonin containing TCP1 subunit 5; plus strand). Cytogenetic location: 5p15.2.
Variant type: single nucleotide variant.
Coding change: c.*383A>G on transcript NM_012073.5 (MANE Select); 383 bases downstream of the stop codon, A replaced by G.
Molecular consequence: 3 prime UTR variant.
Genome position (GRCh38, 1-based): chr5:10,265,166, A>G. VCF-style: chr5-10265166-A-G. GRCh37 (hg19) VCF-style: chr5-10265278-A-G.
Other names: c.*383A>G (NM_001306153.1, NM_001306154.2, NM_001306155.2 and 1 more transcripts).
Identifiers: ClinVar variation 350271 (VCV000350271.6), dbSNP rs2662533, ClinGen allele CA10622161.